The following is an entry in ClinVar:

NM_000256.3(MYBPC3):c.2994+2T>C

Gene: MYBPC3 (myosin binding protein C3; minus strand). Cytogenetic location: 11p11.2.
Variant type: single nucleotide variant.
Coding change: c.2994+2T>C on transcript NM_000256.3 (MANE Select); the canonical splice donor site of the intron after coding-DNA position 2994, T replaced by C.
Molecular consequence: splice donor variant.
Genome position (GRCh38, 1-based): chr11:47,333,920, A>G on the plus strand (T>C on the coding strand, the complement: MYBPC3 is on the minus strand). VCF-style: chr11-47333920-A-G. GRCh37 (hg19) VCF-style: chr11-47355471-A-G.
Identifiers: ClinVar variation 164051 (VCV000164051.8), dbSNP rs727503176, ClinGen allele CA013280.

ClinVar aggregate classification (germline): Conflicting classifications of pathogenicity. Review status: criteria provided, conflicting classifications (1 of 4 stars). 3 submissions from 3 submitters: Pathogenic (1); Likely pathogenic (1); Uncertain significance (1). Last evaluated 2026-08-25.

Conditions:
Cardiovascular phenotype. Identifiers: MedGen CN230736.
Hypertrophic cardiomyopathy. Also called: HYPERTROPHIC MYOCARDIOPATHY. Identifiers: Orphanet 217569, MedGen C0007194, MeSH D002312, MONDO:0005045, HP:0001639.

Submissions (3):

Ambry Genetics
Classification: Uncertain significance for Cardiovascular phenotype. Last evaluated: 2026-08-25. Review status: criteria provided, single submitter. Criteria: Ambry Variant Classification Scheme 2023. Collection method: clinical testing. Allele origin: germline.
Comment: The c.2994+2T>C intronic variant results from a T to C substitution two nucleotides after coding exon 28 in the MYBPC3 gene. This variant was reported in individual(s) with features consistent with hypertrophic cardiomyopathy (HCM) (Ho CY et al. Circulation, 2018 Oct;138:1387-1398). This nucleotide position is highly conserved in available vertebrate species. In silico splice site analysis predicts that this alteration will weaken the native splice donor site and will result in the creation or strengthening of a novel splice donor site. Variants that disrupt the canonical splice site are expected to cause aberrant splicing, resulting in an abnormal protein or a transcript that is subject to nonsense-mediated mRNA decay; however, +2T>C variants are capable of generating wild-type transcripts in some genomic contexts and should be interpreted with caution (Lin JH et al. Hum Mutat. 2019 10;40:1856-1873). Based on the available evidence, the clinical significance of this variant remains unclear.

GeneDx
Classification: Pathogenic. Last evaluated: 2026-02-11. Review status: criteria provided, single submitter. Criteria: GeneDx Variant Classification Process June 2021. Collection method: clinical testing. Allele origin: germline.
Comment: Canonical splice site variant predicted to result in a null allele in a gene for which loss of function is a known mechanism of disease; Reported in association with HCM in published literature (PMID: 30297972); Not observed at significant frequency in large population cohorts (gnomAD); This variant is associated with the following publications: (PMID: 30297972)

Laboratory for Molecular Medicine, Mass General Brigham Personalized Medicine
Classification: Likely pathogenic for Hypertrophic cardiomyopathy. Last evaluated: 2021-12-15. Review status: criteria provided, single submitter. Criteria: ACMG Guidelines, 2015. Collection method: clinical testing. Allele origin: germline. Inheritance: Autosomal dominant inheritance.
Comment: The c.2994+2T>C variant in MYBPC3 has been reported in one individual with hypertrophic cardiomyopathy (HCM) and segregated with disease in at least one affected relative (Ho 2018 PMID: 30297972, LMM data). It was absent from large population studies. This variant occurs within the canonical splice site (+/- 1,2) and is predicted to cause altered splicing leading to an abnormal or absent protein. Loss of function of the MYBPC3 gene is an established disease mechanism in autosomal dominant HCM. In summary, although additional studies are required to fully establish its clinical significance, this variant meets criteria to be classified as likely pathogenic for autosomal dominant HCM. ACMG/AMP Criteria applied: PVS1, PM2_Supporting.

Literature cited by the submitters: PubMed 30297972 (cited by Ambry Genetics and Laboratory for Molecular Medicine, Mass General Brigham Personalized Medicine).